The following is an entry in ClinVar:

ClinVar aggregate classification (germline): Likely pathogenic (1 of 4 stars; one submission).

Conditions:
Citrin deficiency. Identifiers: Orphanet 247582, MedGen C1997910, MONDO:0016602.

Submission:

Labcorp Genetics (formerly Invitae), Labcorp
Classification: Likely pathogenic for Citrin deficiency. Last evaluated: 2022-06-20. Review status: criteria provided, single submitter. Criteria: Invitae Variant Classification Sherloc (09022015). Collection method: clinical testing. Allele origin: germline.
Comment: In summary, the currently available evidence indicates that the variant is pathogenic, but additional data are needed to prove that conclusively. Therefore, this variant has been classified as Likely Pathogenic. Variants that disrupt the consensus splice site are a relatively common cause of aberrant splicing (PMID: 17576681, 9536098). Algorithms developed to predict the effect of sequence changes on RNA splicing suggest that this variant may disrupt the consensus splice site. This variant has been observed in individual(s) with citrin deficiency (PMID: 30703226, 31607264). In at least one individual the data is consistent with being in trans (on the opposite chromosome) from a pathogenic variant. This variant is not present in population databases (gnomAD no frequency). This sequence change falls in intron 17 of the SLC25A13 gene. It does not directly change the encoded amino acid sequence of the SLC25A13 protein. It affects a nucleotide within the consensus splice site.

Literature cited by the submitters: PubMed 17576681; PubMed 9536098; PubMed 30703226; PubMed 31607264.

NM_014251.3(SLC25A13):c.1841+3_1841+4del

Gene: SLC25A13 (solute carrier family 25 member 13; minus strand). Cytogenetic location: 7q21.3.
Variant type: Deletion.
Coding change: c.1841+3_1841+4del on transcript NM_014251.3 (MANE Select); bases 3 to 4 of the intron after coding-DNA position 1841, 2 bases deleted (AA; older notation c.1841+3_1841+4delAA).
Molecular consequence: intron variant.
Genome position (GRCh38, 1-based): chr7:96,121,651-96,121,652, TT deleted on the plus strand (AA on the coding strand, the reverse complement: SLC25A13 is on the minus strand). VCF-style (leftmost placement, unchanged base first): chr7-96121650-CTT-C. GRCh37 (hg19) VCF-style: chr7-95750962-CTT-C.
Other names: c.1844+3_1844+4del (NM_001160210.2).
Identifiers: ClinVar variation 2418949 (VCV002418949.6), dbSNP rs2485541368, ClinGen allele CA1811452215.
Genomic context (GRCh38, chr7:96,121,650, plus strand): 5'-TTCCCTACGACAACAGAGCATTAGCAGCAGCCAAAATTTAGCAGCAGATTTAGCATGATA[CTT>C]ACACTCCTCCAAAATCAATGTAGAACCATCGCTGTAGCAATTCGTAAGTCAGCAAAGTTA-3'